The following is an entry in ClinVar:

NM_004586.3(RPS6KA3):c.283C>T (p.Gln95Ter)

Gene: RPS6KA3 (ribosomal protein S6 kinase A3; minus strand). Cytogenetic location: Xp22.12.
Variant type: single nucleotide variant.
Coding change: c.283C>T on transcript NM_004586.3 (MANE Select); coding-DNA position 283, C replaced by T.
Protein change: p.Gln95Ter; replaces glutamine 95 with a stop codon.
Molecular consequence: nonsense.
Genome position (GRCh38, 1-based): chrX:20,204,064, G>A on the plus strand (C>T on the coding strand, the complement: RPS6KA3 is on the minus strand). VCF-style: chrX-20204064-G-A. GRCh37 (hg19) VCF-style: chrX-20222182-G-A.
Other names: short protein forms Q95*.
Identifiers: ClinVar variation 3754252 (VCV003754252.3).
Genomic context (GRCh38, chrX:20,204,064, plus strand): 5'-AATAGCAGCAACACTTACCTTTCAGTGTGGCCTTCTTCAATACCTTCATGGCATAAAGCT[G>A]CCTAGCATCAGAGCCTGAGATTTTTTTAACTAAGAAAACCTGCATTTAAGTAAGAGAAAA-3'

ClinVar aggregate classification (germline): Pathogenic (1 of 4 stars; one submission).

Conditions:
Coffin-Lowry syndrome (CLS). Also called: Mental retardation with osteocartilaginous abnormalities; COFFIN-LOWRY SYNDROME, MILD. Identifiers: Orphanet 192, MedGen C0265252, MONDO:0010561, OMIM 303600.
Intellectual developmental disorder, X-linked 19. Also called: Intellectual disability, X-linked 19. Identifiers: Orphanet 777, MedGen C0796225, MONDO:0010447, OMIM 300844.

Submissions (2):

Labcorp Genetics (formerly Invitae), Labcorp
Classification: Pathogenic for Coffin-Lowry syndrome; Intellectual developmental disorder, X-linked 19. Last evaluated: 2024-01-29. Review status: criteria provided, single submitter. Criteria: Invitae Variant Classification Sherloc (09022015). Collection method: clinical testing. Allele origin: germline.
Comment: This sequence change creates a premature translational stop signal (p.Gln95*) in the RPS6KA3 gene. It is expected to result in an absent or disrupted protein product. Loss-of-function variants in RPS6KA3 are known to be pathogenic (PMID: 9837815, 19888300). This variant is not present in population databases (gnomAD no frequency). This variant has not been reported in the literature in individuals affected with RPS6KA3-related conditions. For these reasons, this variant has been classified as Pathogenic.

Dr. Peter K. Rogan Lab, Western University
No classification provided (evidence only). Condition: Thyroid cancer, nonmedullary, 1. Review status: no classification provided. Collection method: in vitro. Allele origin: not applicable. Functional consequence: retained intron. Not counted in ClinVar's aggregate classification.

Literature cited by the submitters: PubMed 9837815 (cited by Labcorp Genetics (formerly Invitae), Labcorp); PubMed 19888300 (cited by Labcorp Genetics (formerly Invitae), Labcorp).